The following is an entry in ClinVar:

ClinVar aggregate classification (germline): Benign. Review status: criteria provided, multiple submitters, no conflicts (2 of 4 stars). 7 submissions from 7 submitters: Benign (4). 3 of the submissions do not count toward it. Last evaluated 2026-02-03.

Conditions:
NTHL1-related disorder. Also called: NTHL1-related conditions; NTHL1-related condition.
Familial adenomatous polyposis 3. Also called: NTHL1-associated polyposis; NTHL1-Related Adenomatous Polyposis and Colorectal Cancer; NTHL1 Tumor Syndrome; NTHL1-related attenuated familial adenomatous polyposis. Identifiers: Orphanet 220460, Orphanet 454840, MedGen C4225157, MONDO:0014630, OMIM 616415.

Allele frequency attached by ClinVar (database versions not stated): gnomAD exomes 0.00101 and 0.00267; ExAC 0.00329; 1000 Genomes Project 30x 0.00859; 1000 Genomes Project 0.00879; gnomAD 0.00990 and 0.01075; TOPMed 0.01110; ESP Exome Variant Server 0.01254.

Submissions (7):

Labcorp Genetics (formerly Invitae), Labcorp
Classification: Benign. Last evaluated: 2026-02-03. Review status: criteria provided, single submitter. Criteria: Invitae Variant Classification Sherloc (09022015). Collection method: clinical testing. Allele origin: germline.

ARUP Laboratories, Molecular Genetics and Genomics, ARUP Laboratories
Classification: Benign for Familial adenomatous polyposis 3. Last evaluated: 2025-05-19. Review status: criteria provided, single submitter. Criteria: ARUP Molecular Germline Variant Investigation Process 2024. Collection method: clinical testing. Allele origin: germline.

Center for Genomic Medicine, Rigshospitalet, Copenhagen University Hospital
Classification: Benign. Last evaluated: 2025-03-04. Review status: criteria provided, single submitter. Criteria: ACMG Guidelines, 2015. Collection method: clinical testing. Allele origin: germline.

Breakthrough Genomics
Classification: Benign. Review status: criteria provided, single submitter. Criteria: ACMG Guidelines, 2015. Collection method: not provided. Allele origin: germline. Inheritance: Autosomal recessive inheritance. Affected: yes.

PreventionGenetics, part of Exact Sciences
Classification: Benign for NTHL1-related condition. Last evaluated: 2023-11-13. Review status: no assertion criteria provided. Collection method: clinical testing. Allele origin: germline. Not counted in ClinVar's aggregate classification.
Comment: This variant is classified as benign based on ACMG/AMP sequence variant interpretation guidelines (Richards et al. 2015 PMID: 25741868, with internal and published modifications).

Clinical Genetics, Academic Medical Center
Classification: Benign. Review status: no assertion criteria provided. Collection method: clinical testing. Allele origin: germline. Affected: yes. Study: VKGL Data-share Consensus. Not counted in ClinVar's aggregate classification.

Joint Genome Diagnostic Labs from Nijmegen and Maastricht, Radboudumc and MUMC+
Classification: Benign. Review status: no assertion criteria provided. Collection method: clinical testing. Allele origin: germline. Affected: yes. Study: VKGL Data-share Consensus. Not counted in ClinVar's aggregate classification.

NM_002528.7(NTHL1):c.116-17C>T

Gene: NTHL1 (nth like DNA glycosylase 1; minus strand). Cytogenetic location: 16p13.3.
Variant type: single nucleotide variant.
Coding change: c.116-17C>T on transcript NM_002528.7 (MANE Select); 17 bases into the intron before coding-DNA position 116, C replaced by T.
Molecular consequence: intron variant.
Genome position (GRCh38, 1-based): chr16:2,046,383, G>A on the plus strand (C>T on the coding strand, the complement: NTHL1 is on the minus strand). VCF-style: chr16-2046383-G-A. GRCh37 (hg19) VCF-style: chr16-2096384-G-A.
Other names: c.140-17C>T (NM_002528.6); c.-63-17C>T (NM_001318194.2); c.116-17C>T (NM_001318193.2).
Identifiers: ClinVar variation 1284832 (VCV001284832.20), dbSNP rs2233518, ClinGen allele CA7828367.